The following is an entry in ClinVar:

NM_001163435.3(TBCK):c.1826G>A (p.Ser609Asn)

Gene: TBCK (TBC1 domain containing kinase; minus strand). Cytogenetic location: 4q24.
Variant type: single nucleotide variant.
Coding change: c.1826G>A on transcript NM_001163435.3 (MANE Select); coding-DNA position 1826, G replaced by A.
Protein change: p.Ser609Asn; replaces serine 609 with asparagine.
Molecular consequence: missense variant.
Genome position (GRCh38, 1-based): chr4:106,212,784, C>T on the plus strand (G>A on the coding strand, the complement: TBCK is on the minus strand). VCF-style: chr4-106212784-C-T. GRCh37 (hg19) VCF-style: chr4-107133941-C-T.
Other names: c.1826G>A, p.Ser609Asn (NM_001163436.4); c.1709G>A, p.Ser570Asn (NM_001163437.3); c.1310G>A, p.Ser437Asn (NM_001290768.2); c.1637G>A, p.Ser546Asn (NM_033115.5); short protein forms S609N, S437N, S546N, S570N.
Identifiers: ClinVar variation 1475191 (VCV001475191.8), dbSNP rs2149891688, ClinGen allele CA357821682.

ClinVar aggregate classification (germline): Uncertain significance (1 of 4 stars; one submission).

Submission:

Labcorp Genetics (formerly Invitae), Labcorp
Classification: Uncertain significance. Last evaluated: 2021-03-24. Review status: criteria provided, single submitter. Criteria: Invitae Variant Classification Sherloc (09022015). Collection method: clinical testing. Allele origin: germline.
Comment: This sequence change replaces serine with asparagine at codon 609 of the TBCK protein (p.Ser609Asn). The serine residue is moderately conserved and there is a small physicochemical difference between serine and asparagine. This variant is not present in population databases (ExAC no frequency). This variant has not been reported in the literature in individuals with TBCK-related conditions. Algorithms developed to predict the effect of missense changes on protein structure and function (SIFT, PolyPhen-2, Align-GVGD) all suggest that this variant is likely to be tolerated, but these predictions have not been confirmed by published functional studies and their clinical significance is uncertain. In summary, the available evidence is currently insufficient to determine the role of this variant in disease. Therefore, it has been classified as a Variant of Uncertain Significance.